The following is an entry in ClinVar:

ClinVar aggregate classification (germline): Pathogenic (1 of 4 stars; one submission).

Conditions:
Citrin deficiency. Identifiers: Orphanet 247582, MedGen C1997910, MONDO:0016602.

Submission:

Labcorp Genetics (formerly Invitae), Labcorp
Classification: Pathogenic for Citrin deficiency. Last evaluated: 2021-10-19. Review status: criteria provided, single submitter. Criteria: Invitae Variant Classification Sherloc (09022015). Collection method: clinical testing. Allele origin: germline.
Comment: For these reasons, this variant has been classified as Pathogenic. This variant has not been reported in the literature in individuals affected with SLC25A13-related conditions. This variant is not present in population databases (ExAC no frequency). This sequence change creates a premature translational stop signal (p.Asn38Metfs*8) in the SLC25A13 gene. It is expected to result in an absent or disrupted protein product. Loss-of-function variants in SLC25A13 are known to be pathogenic (PMID: 10369257, 14680984, 27405544).

Literature cited by the submitters: PubMed 10369257; PubMed 14680984; PubMed 27405544.

NM_014251.3(SLC25A13):c.111del (p.Asn38fs)

Gene: SLC25A13 (solute carrier family 25 member 13; minus strand). Cytogenetic location: 7q21.3.
Variant type: Deletion.
Coding change: c.111del on transcript NM_014251.3 (MANE Select); coding-DNA position 111, one base deleted (C; older notation c.111delC).
Protein change: p.Asn38fs; shifts the reading frame from asparagine 38.
Molecular consequence: frameshift variant. On other transcripts: non-coding transcript variant (1).
Genome position (GRCh38, 1-based): chr7:96,277,297, G deleted on the plus strand (C on the coding strand, the reverse complement: SLC25A13 is on the minus strand); the first of 5 consecutive G bases (chr7:96,277,297-96,277,301); deleting any one gives the same sequence. VCF-style (leftmost placement, unchanged base first): chr7-96277296-TG-T. GRCh37 (hg19) VCF-style: chr7-95906608-TG-T.
Other names: c.111del, p.Asn38fs (NM_001160210.2); short protein forms N38fs.
Identifiers: ClinVar variation 1425711 (VCV001425711.6), dbSNP rs2116939333, ClinGen allele CA2573142468.
Genomic context (GRCh38, chr7:96,277,296, plus strand): 5'-CAGTCTTTGGATTAGGCTGGCTTTCTCCAAAAATGTTCAAGTATCGAGTGACAAAGTCAT[TG>T]GGGGACATGAAAAATTCACCGTTTTTCTCAATGCTTGCATACTGTTTAAAAAAAAGAAAA-3'